The following is an entry in ClinVar:

NC_000015.9:g.(?_40453422)_(40512960_?)dup

Genes: BUB1B (BUB1 mitotic checkpoint serine/threonine kinase B; plus strand), PAK6 (p21 (RAC1) activated kinase 6; plus strand). Cytogenetic location: 15q15.1.
Variant type: Duplication.
Identifiers: ClinVar variation 1410342 (VCV001410342.1).

ClinVar aggregate classification (germline): Uncertain significance (1 of 4 stars; one submission).

Conditions:
Mosaic variegated aneuploidy syndrome 1 (MVA1). Also called: Warburton-Anyane-Yeboa syndrome. Identifiers: Orphanet 1052, MedGen C1850343, MONDO:0009759, OMIM 257300.

Submission:

Labcorp Genetics (formerly Invitae), Labcorp
Classification: Uncertain significance for Mosaic variegated aneuploidy syndrome 1. Last evaluated: 2021-08-04. Review status: criteria provided, single submitter. Criteria: Invitae Variant Classification Sherloc (09022015). Collection method: clinical testing. Allele origin: germline.
Comment: A copy number gain of the genomic region encompassing the full coding sequence of the BUB1B gene has been identified. The boundaries of this event are unknown as they extend beyond the assayed region for this gene and therefore may encompass additional genes. As the precise location of this event is unknown, it may be in tandem or it may be located elsewhere in the genome. This variant has not been reported in the literature in individuals affected with BUB1B-related conditions. In summary, the available evidence is currently insufficient to determine the role of this variant in disease. Therefore, it has been classified as a Variant of Uncertain Significance.